The following is an entry in ClinVar:

NM_002047.4(GARS1):c.1829T>C (p.Val610Ala)

Gene: GARS1 (glycyl-tRNA synthetase 1; plus strand). Cytogenetic location: 7p14.3.
Variant type: single nucleotide variant.
Coding change: c.1829T>C on transcript NM_002047.4 (MANE Select); coding-DNA position 1829, T replaced by C.
Protein change: p.Val610Ala; replaces valine 610 with alanine.
Molecular consequence: missense variant.
Genome position (GRCh38, 1-based): chr7:30,631,467, T>C. VCF-style: chr7-30631467-T-C. GRCh37 (hg19) VCF-style: chr7-30671083-T-C.
Other names: c.1829T>C (LRG_243t1); c.1667T>C, p.Val556Ala (NM_001316772.1); short protein forms V610A, V556A.
Identifiers: ClinVar variation 543201 (VCV000543201.8), dbSNP rs1554340666, ClinGen allele CA367129929.

ClinVar aggregate classification (germline): Uncertain significance (1 of 4 stars; one submission).

Conditions:
Charcot-Marie-Tooth disease type 2. Also called: Charcot-Marie-Tooth type 2. Identifiers: Orphanet 64746, MedGen C0270914, MONDO:0018993.

Allele frequency attached by ClinVar (database versions not stated): gnomAD 0.00001; gnomAD exomes below 0.00001; TOPMed 0.00001.
gnomAD v4.1: 2 of 1,613,372 alleles (0.00012%); highest among the groups gnomAD compares: Non-Finnish European, 0.00017%; no homozygotes.

Submission:

Labcorp Genetics (formerly Invitae), Labcorp
Classification: Uncertain significance for Charcot-Marie-Tooth disease type 2. Last evaluated: 2023-09-22. Review status: criteria provided, single submitter. Criteria: Invitae Variant Classification Sherloc (09022015). Collection method: clinical testing. Allele origin: germline.
Comment: This sequence change replaces valine, which is neutral and non-polar, with alanine, which is neutral and non-polar, at codon 610 of the GARS protein (p.Val610Ala). This variant is not present in population databases (gnomAD no frequency). This variant has not been reported in the literature in individuals affected with GARS-related conditions. ClinVar contains an entry for this variant (Variation ID: 543201). Advanced modeling of protein sequence and biophysical properties (such as structural, functional, and spatial information, amino acid conservation, physicochemical variation, residue mobility, and thermodynamic stability) performed at Invitae indicates that this missense variant is not expected to disrupt GARS protein function. In summary, the available evidence is currently insufficient to determine the role of this variant in disease. Therefore, it has been classified as a Variant of Uncertain Significance.